The following is an entry in ClinVar:

NM_018010.4(IFT57):c.796G>A (p.Asp266Asn)

Gene: IFT57 (intraflagellar transport 57; minus strand). Cytogenetic location: 3q13.12.
Variant type: single nucleotide variant.
Coding change: c.796G>A on transcript NM_018010.4 (MANE Select); coding-DNA position 796, G replaced by A.
Protein change: p.Asp266Asn; replaces aspartic acid 266 with asparagine.
Molecular consequence: missense variant.
Genome position (GRCh38, 1-based): chr3:108,167,846, C>T on the plus strand (G>A on the coding strand, the complement: IFT57 is on the minus strand). VCF-style: chr3-108167846-C-T. GRCh37 (hg19) VCF-style: chr3-107886693-C-T.
Other names: short protein forms D266N.
Identifiers: ClinVar variation 4696667 (VCV004696667.1).

ClinVar aggregate classification (germline): Uncertain significance (1 of 4 stars; one submission).

Submission:

Labcorp Genetics (formerly Invitae), Labcorp
Classification: Uncertain significance. Last evaluated: 2025-10-16. Review status: criteria provided, single submitter. Criteria: Invitae Variant Classification Sherloc (09022015). Collection method: clinical testing. Allele origin: germline.
Comment: This sequence change replaces aspartic acid, which is acidic and polar, with asparagine, which is neutral and polar, at codon 266 of the IFT57 protein (p.Asp266Asn). This variant is not present in population databases (gnomAD no frequency). This variant has not been reported in the literature in individuals affected with IFT57-related conditions. An algorithm developed to predict the effect of missense changes on protein structure and function (PolyPhen-2) suggests that this variant is likely to be tolerated. In summary, the available evidence is currently insufficient to determine the role of this variant in disease. Therefore, it has been classified as a Variant of Uncertain Significance.